The following is an entry in ClinVar:

NM_032119.4(ADGRV1):c.559-3C>T

Gene: ADGRV1 (adhesion G protein-coupled receptor V1; plus strand). Cytogenetic location: 5q14.3.
Variant type: single nucleotide variant.
Coding change: c.559-3C>T on transcript NM_032119.4 (MANE Select); 3 bases into the intron before coding-DNA position 559, C replaced by T.
Molecular consequence: intron variant.
Genome position (GRCh38, 1-based): chr5:90,625,127, C>T. VCF-style: chr5-90625127-C-T. GRCh37 (hg19) VCF-style: chr5-89920944-C-T.
Identifiers: ClinVar variation 1489712 (VCV001489712.6), dbSNP rs1764564836, ClinGen allele CA1078655080.

ClinVar aggregate classification (germline): Uncertain significance (1 of 4 stars; one submission).

Allele frequency attached by ClinVar (database versions not stated): TOPMed below 0.00001; gnomAD 0.00001.

Submission:

Labcorp Genetics (formerly Invitae), Labcorp
Classification: Uncertain significance. Last evaluated: 2023-03-23. Review status: criteria provided, single submitter. Criteria: Invitae Variant Classification Sherloc (09022015). Collection method: clinical testing. Allele origin: germline.
Comment: This variant is not present in population databases (gnomAD no frequency). In summary, the available evidence is currently insufficient to determine the role of this variant in disease. Therefore, it has been classified as a Variant of Uncertain Significance. Variants that disrupt the consensus splice site are a relatively common cause of aberrant splicing (PMID: 17576681, 9536098). Algorithms developed to predict the effect of sequence changes on RNA splicing suggest that this variant is not likely to affect RNA splicing. ClinVar contains an entry for this variant (Variation ID: 1489712). This variant has not been reported in the literature in individuals affected with ADGRV1-related conditions. This sequence change falls in intron 5 of the ADGRV1 gene. It does not directly change the encoded amino acid sequence of the ADGRV1 protein. It affects a nucleotide within the consensus splice site.

Literature cited by the submitters: PubMed 17576681; PubMed 9536098.